The following is an entry in ClinVar:

NM_001918.5(DBT):c.1018-550A>G

Gene: DBT (dihydrolipoamide branched chain transacylase E2; minus strand). Cytogenetic location: 1p21.2.
Variant type: single nucleotide variant.
Coding change: c.1018-550A>G on transcript NM_001918.5 (MANE Select); 550 bases into the intron before coding-DNA position 1018, A replaced by G.
Molecular consequence: intron variant.
Genome position (GRCh38, 1-based): chr1:100,207,186, T>C on the plus strand (A>G on the coding strand, the complement: DBT is on the minus strand). VCF-style: chr1-100207186-T-C. GRCh37 (hg19) VCF-style: chr1-100672742-T-C.
Other names: NM_001918.3:c.1017_1018ins[NC_000001.11:g.100207187_100207312].
Identifiers: ClinVar variation 11946 (VCV000011946.18), dbSNP rs796052135, ClinGen allele CA212933.

ClinVar aggregate classification (germline): Pathogenic/Likely pathogenic. Review status: criteria provided, multiple submitters, no conflicts (2 of 4 stars). 8 submissions from 8 submitters: Pathogenic (3); Likely pathogenic (3). 2 of the submissions do not count toward it. Last evaluated 2026-01-27.

Conditions:
DBT-related disorder. Also called: DBT-related condition.
Maple syrup urine disease type 2 (MSUD2). Also called: Maple syrup urine disease, type II. Identifiers: MedGen C1855371, MONDO:0023693, OMIM 620699.
Maple syrup urine disease type 1A (MSUD1A). Also called: MSUD type 1A. Identifiers: MedGen C1855369, MONDO:0023691, OMIM 248600.
Maple syrup urine disease (MSUD). Identifiers: Orphanet 511, MedGen C0024776, MeSH D008375, MONDO:0009563. Disease mechanism: loss of function.

Allele frequency attached by ClinVar (database versions not stated): gnomAD 0.00003 and 0.00004; TOPMed 0.00003.
gnomAD v4.1: 5 of 152,190 alleles (0.0033%); highest among the groups gnomAD compares: Admixed American, 0.013%; no homozygotes.

Submissions (8):

PreventionGenetics, part of Exact Sciences
Classification: Likely pathogenic for DBT-related condition. Last evaluated: 2026-01-27. Review status: criteria provided, single submitter. Criteria: ACMG Guidelines, 2015. Collection method: clinical testing. Allele origin: germline.
Comment: The DBT c.1018-550A>G variant is predicted to interfere with splicing. This variant was reported in the homozygous or compound heterozygous states in individuals with maple syrup urine disease (Tsuruta et al. 1998. PubMed ID: 9621512; Soriano-Sexto et al. PubMed ID: 36361642). In vitro analysis indicated that this substitution created a new 5' splice site and caused an insertion of 126 nucleotides between exons 8 and 9, resulting in a truncated protein (Tsuruta et al. 1998. PubMed ID: 9621512; Vorechovsky et al. 2010. PubMed ID: 19823873). This variant has not been reported in a large population database (gnomAD), indicating this variant is rare. This variant is interpreted as likely pathogenic.

Labcorp Genetics (formerly Invitae), Labcorp
Classification: Pathogenic for Maple syrup urine disease. Last evaluated: 2025-05-02. Review status: criteria provided, single submitter. Criteria: Invitae Variant Classification Sherloc (09022015). Collection method: clinical testing. Allele origin: germline.
Comment: This sequence change falls in intron 8 of the DBT gene. It does not directly change the encoded amino acid sequence of the DBT protein. RNA analysis indicates that this variant induces altered splicing and may result in an absent or altered protein product. This variant is not present in population databases (gnomAD no frequency). This variant has been observed in individual(s) with maple syrup urine disease (PMID: 9621512). ClinVar contains an entry for this variant (Variation ID: 11946). Studies have shown that this variant results in an insertion between exons 8 and 9, and produces a non-functional protein and/or introduces a premature termination codon (PMID: 9621512). For these reasons, this variant has been classified as Pathogenic.

Fulgent Genetics
Classification: Likely pathogenic for Maple syrup urine disease type 2. Last evaluated: 2024-06-18. Review status: criteria provided, single submitter. Criteria: ACMG Guidelines, 2015. Collection method: clinical testing. Allele origin: germline.

Baylor Genetics
Classification: Pathogenic for Maple syrup urine disease type 1A. Last evaluated: 2023-11-29. Review status: criteria provided, single submitter. Criteria: ACMG Guidelines, 2015. Collection method: clinical testing. Allele origin: unknown.

Mendelics
Classification: Pathogenic for Maple syrup urine disease type 1A. Last evaluated: 2022-05-04. Review status: criteria provided, single submitter. Criteria: Mendelics Assertion Criteria 2019. Collection method: clinical testing. Allele origin: germline.

Women's Health and Genetics/Laboratory Corporation of America, LabCorp
Classification: Likely pathogenic for Maple syrup urine disease. Last evaluated: 2021-12-27. Review status: criteria provided, single submitter. Criteria: LabCorp Variant Classification Summary - May 2015. Collection method: clinical testing. Allele origin: germline.
Comment: Variant summary: DBT c.1018-550A>G is located at a deep intronic position, not widely known to affect splicing. Several computational tools predict a significant impact on normal splicing: three predict the variant creates a 5' donor site. The variant allele was found at a frequency of 3.3e-05 in 150962 control chromosomes (gnomAD v3.1 genomes dataset). c.1018-550A>G has been reported in the literature in a homozygous individual affected with Maple Syrup Urine Disease (Tsuruta_1998). The authors of this study reported experimental evidence and demonstrated that the level of the DBT protein was considerably decreased in patient derived LCLS, in addition, they found inclusion of intronic sequence in patient derived cDNA, which was predicted to result in a truncated protein. These findings were confirmed in an in vitro assay system, where generation of a pseudoexon was demonstrated, resulting in aberrant splicing in vitro (Tsuruta_1998). These data indicate that the variant is likely associated with disease. Two ClinVar submitters have assessed the variant since 2014,, and classified the variant as likely pathogenic or uncertain significance. Based on the evidence outlined above, the variant was classified as likely pathogenic.

Counsyl
Classification: Uncertain significance for Maple syrup urine disease type 1A. Last evaluated: 2017-07-31. Review status: no assertion criteria provided. Collection method: clinical testing. Allele origin: unknown. Not counted in ClinVar's aggregate classification.

OMIM
Classification: Pathogenic for MAPLE SYRUP URINE DISEASE, TYPE II. Last evaluated: 1998-01-01. Review status: no assertion criteria provided. Collection method: literature only. Allele origin: germline. Not counted in ClinVar's aggregate classification.

Literature cited by the submitters: PubMed 9621512 (cited by 4 submitters); PubMed 19823873 (cited by Women's Health and Genetics/Laboratory Corporation of America, LabCorp); PubMed 28497172 (cited by Women's Health and Genetics/Laboratory Corporation of America, LabCorp).